The following is an entry in ClinVar:

ClinVar aggregate classification (germline): Likely benign. Review status: criteria provided, multiple submitters, no conflicts (2 of 4 stars). 5 submissions from 5 submitters: Likely benign (4). 1 of the submissions does not count toward it. Last evaluated 2025-05-27.

Conditions:
Hereditary cancer-predisposing syndrome. Also called: Hereditary Cancer Syndrome; Neoplastic Syndromes, Hereditary; Tumor predisposition; Hereditary neoplastic syndrome. Identifiers: Orphanet 140162, MedGen C0027672, MeSH D009386, MONDO:0015356.
Microcephaly, normal intelligence and immunodeficiency (NBS). Also called: IMMUNODEFICIENCY, MICROCEPHALY, AND CHROMOSOMAL INSTABILITY; SEEMANOVA SYNDROME II; Immunodeficiency, microcephaly with normal intelligence; Ataxia telangiectasia variant V1; Nijmegen breakage syndrome; Microcephaly with normal intelligence immunodeficiency and lymphoreticular malignancies. Identifiers: Orphanet 647, MedGen C0398791, MONDO:0009623, OMIM 251260.

Allele frequency attached by ClinVar (database versions not stated): ExAC 0.00002; gnomAD exomes 0.00001.
gnomAD v4.1: 10 of 1,583,752 alleles (0.00063%); highest among the groups gnomAD compares: Non-Finnish European, 0.00078%; no homozygotes.

Submissions (5):

Labcorp Genetics (formerly Invitae), Labcorp
Classification: Likely benign for Microcephaly, normal intelligence and immunodeficiency. Last evaluated: 2025-05-27. Review status: criteria provided, single submitter. Criteria: Invitae Variant Classification Sherloc (09022015). Collection method: clinical testing. Allele origin: germline.

Women's Health and Genetics/Laboratory Corporation of America, LabCorp
Classification: Likely benign. Last evaluated: 2019-08-30. Review status: criteria provided, single submitter. Criteria: LabCorp Variant Classification Summary - May 2015. Collection method: clinical testing. Allele origin: germline.
Comment: Variant summary: NBN c.483A>G (p.Thr161Thr) alters a non-conserved nucleotide located close to a canonical splice site and therefore could affect mRNA splicing, leading to a significantly altered protein sequence. 5/5 computational tools predict no significant impact on normal splicing. However, these predictions have yet to be confirmed by functional studies. The variant allele was found at a frequency of 8e-06 in 251034 control chromosomes (gnomAD). The available data on variant occurrences in the general population are insufficient to allow any conclusion about variant significance. To our knowledge, no occurrence of c.483A>G in individuals affected with Nijmegen Breakage Syndrome and no experimental evidence demonstrating its impact on protein function have been reported. A co-occurrence with a pathogenic variant has been reported (BRIP1 c.2379+1G>T; LabCorp). Two ClinVar submitters (evaluation after 2014) cite the variant as likely benign. Based on the evidence outlined above, the variant was classified as likely benign.

GeneDx
Classification: Likely benign. Last evaluated: 2019-05-02. Review status: criteria provided, single submitter. Criteria: GeneDx Variant Classification Process June 2021. Collection method: clinical testing. Allele origin: germline. Affected: yes.

Ambry Genetics
Classification: Likely benign for Hereditary cancer-predisposing syndrome. Last evaluated: 2014-10-29. Review status: criteria provided, single submitter. Criteria: Ambry Variant Classification Scheme 2023. Collection method: clinical testing. Allele origin: germline.

Counsyl
Classification: Likely benign for Microcephaly, normal intelligence and immunodeficiency. Last evaluated: 2018-03-05. Review status: no assertion criteria provided. Collection method: clinical testing. Allele origin: unknown. Not counted in ClinVar's aggregate classification.

NM_002485.5(NBN):c.483A>G (p.Thr161=)

Gene: NBN (nibrin; minus strand). Cytogenetic location: 8q21.3.
Variant type: single nucleotide variant.
Coding change: c.483A>G on transcript NM_002485.5 (MANE Select); coding-DNA position 483, A replaced by G.
Protein change: p.Thr161=; no amino-acid change (threonine 161 retained).
Molecular consequence: synonymous variant.
Genome position (GRCh38, 1-based): chr8:89,978,321, T>C on the plus strand (A>G on the coding strand, the complement: NBN is on the minus strand). VCF-style: chr8-89978321-T-C. GRCh37 (hg19) VCF-style: chr8-90990549-T-C.
Other names: c.237A>G, p.Thr79= (NM_001024688.3).
Identifiers: ClinVar variation 186805 (VCV000186805.22), dbSNP rs758276775, ClinGen allele CA195917.